The following is an entry in ClinVar:

NM_007194.4(CHEK2):c.280del (p.Ala94fs)

Gene: CHEK2 (checkpoint kinase 2; minus strand). Cytogenetic location: 22q12.1.
Variant type: Deletion.
Coding change: c.280del on transcript NM_007194.4 (MANE Select); coding-DNA position 280, one base deleted (G; older notation c.280delG).
Protein change: p.Ala94fs; shifts the reading frame from alanine 94.
Molecular consequence: frameshift variant.
Genome position (GRCh38, 1-based): chr22:28,734,442, C deleted on the plus strand (G on the coding strand, the reverse complement: CHEK2 is on the minus strand); the first of 3 consecutive C bases (chr22:28,734,442-28,734,444); deleting any one gives the same sequence. VCF-style (leftmost placement, unchanged base first): chr22-28734441-GC-G. GRCh37 (hg19) VCF-style: chr22-29130429-GC-G.
Other names: c.278delG, p.Ala94Leufs (NM_001005735.3, NM_001349956.3, NM_145862.3); c.-500delG (NM_001257387.3); short protein forms A94fs.
Identifiers: ClinVar variation 1796315 (VCV001796315.2), dbSNP rs2518127537, ClinGen allele CA2580099389.

ClinVar aggregate classification (germline): Pathogenic (1 of 4 stars; one submission).

Conditions:
Hereditary cancer-predisposing syndrome. Also called: Tumor predisposition; Hereditary Cancer Syndrome; Neoplastic Syndromes, Hereditary; Hereditary neoplastic syndrome. Identifiers: Orphanet 140162, MedGen C0027672, MeSH D009386, MONDO:0015356.

Submission:

Ambry Genetics
Classification: Pathogenic for Hereditary cancer-predisposing syndrome. Last evaluated: 2017-10-16. Review status: criteria provided, single submitter. Criteria: Ambry Variant Classification Scheme 2023. Collection method: clinical testing. Allele origin: germline.
Comment: The c.280delG pathogenic mutation, located in coding exon 1 of the CHEK2 gene, results from a deletion of one nucleotide at nucleotide position 280, causing a translational frameshift with a predicted alternate stop codon (p.A94Lfs*16). This alteration is expected to result in loss of function by premature protein truncation or nonsense-mediated mRNA decay. As such, this alteration is interpreted as a disease-causing mutation.